The following is an entry in ClinVar:

ClinVar aggregate classification (germline): Likely benign (1 of 4 stars; one submission).

Allele frequency attached by ClinVar (database versions not stated): gnomAD exomes below 0.00001; TOPMed below 0.00001; gnomAD 0.00001.
gnomAD v4.1: 2 of 1,614,028 alleles (0.00012%); highest among the groups gnomAD compares: Non-Finnish European, 0.00017%; no homozygotes.

Submission:

CeGaT Center for Human Genetics Tuebingen
Classification: Likely benign. Last evaluated: 2023-03-01. Review status: criteria provided, single submitter. Criteria: CeGaT Center For Human Genetics Tuebingen Variant Classification Criteria Version 2. Collection method: clinical testing. Allele origin: germline. Affected: yes. Observed: 1 variant allele.
Comment: ANK3: BP4, BP7

NM_020987.5(ANK3):c.4662C>T (p.Gly1554=)

Gene: ANK3 (ankyrin 3; minus strand). Cytogenetic location: 10q21.2.
Variant type: single nucleotide variant.
Coding change: c.4662C>T on transcript NM_020987.5 (MANE Select); coding-DNA position 4662, C replaced by T.
Protein change: p.Gly1554=; no amino-acid change (glycine 1554 retained).
Molecular consequence: synonymous variant. On other transcripts: intron variant (4).
Genome position (GRCh38, 1-based): chr10:60,076,219, G>A on the plus strand (C>T on the coding strand, the complement: ANK3 is on the minus strand). VCF-style: chr10-60076219-G-A. GRCh37 (hg19) VCF-style: chr10-61835977-G-A.
Other names: c.4387+4318C>T (NM_001204403.2); c.4408+4318C>T (NM_001204404.2); c.4405+4318C>T (NM_001320874.2); c.1807+4318C>T (NM_001149.4).
Identifiers: ClinVar variation 2640494 (VCV002640494.24), dbSNP rs1179189548, ClinGen allele CA469994015.
Genomic context (GRCh38, chr10:60,076,219, plus strand): 5'-AAAGGATCTAATTGGAGATGCCACGTCACTAATGGATTTAACTGAAGATGTAGTTGACGC[G>A]CCTAATGTGGATTTGATTGGAGAAGGTGTCGAAACAGACCATATTGATTTTAACGGAGAA-3'
Protein context (NP_066267.2, residues 1544-1564): STPSPIKSTL[Gly1554=]ASTTSSVKSI